The following is an entry in ClinVar:

NM_000059.4(BRCA2):c.3386dup (p.Phe1130fs)

Gene: BRCA2 (BRCA2 DNA repair associated; plus strand). Cytogenetic location: 13q13.1.
Variant type: Duplication.
Coding change: c.3386dup on transcript NM_000059.4 (MANE Select); coding-DNA position 3386, one base duplicated (A; older notation c.3386dupA).
Protein change: p.Phe1130fs; shifts the reading frame from phenylalanine 1130.
Molecular consequence: frameshift variant.
Genome position (GRCh38, 1-based): chr13:32,337,741, A duplicated. VCF-style (leftmost placement, unchanged base first): chr13-32337740-C-CA. GRCh37 (hg19) VCF-style: chr13-32911877-C-CA.
Other names: 3614insA; c.3386dupA (NM_000059.3); short protein forms F1130fs.
Identifiers: ClinVar variation 96789 (VCV000096789.23), dbSNP rs431825305, ClinGen allele CA017908.
Genomic context (GRCh38, chr13:32,337,740, plus strand): 5'-GCAGAAATTACAGAACTTTCTACTATATTAGAAGAATCAGGAAGTCAGTTTGAATTTACT[C>CA]AGTTTAGAAAACCAAGCTACATATTGCAGAAGAGTACATTTGAAGTGCCTGAAAACCAGA-3'

ClinVar aggregate classification (germline): Pathogenic. Review status: reviewed by expert panel (3 of 4 stars). 7 submissions from 7 submitters: Pathogenic (1). 6 of the submissions do not count toward it. Last evaluated 2016-09-08.

Conditions:
Hereditary breast ovarian cancer syndrome. Also called: BRCA1- and BRCA2-Associated Hereditary Breast and Ovarian Cancer; Hereditary breast and ovarian cancer syndrome; Breast and ovarian cancer; Hereditary breast and ovarian cancer syndrome (HBOC); Hereditary breast and ovarian cancer; Hereditary breast and/or ovarian cancer syndrome. Identifiers: Orphanet 145, MedGen C0677776, MeSH D061325, MONDO:0003582. Disease mechanism: loss of function.
BRCA2-related disorder. Also called: BRCA2-related condition; BRCA2-related disorders. Identifiers: MedGen CN239275.
Hereditary cancer-predisposing syndrome. Also called: Hereditary Cancer Syndrome; Hereditary neoplastic syndrome; Neoplastic Syndromes, Hereditary; Tumor predisposition. Identifiers: Orphanet 140162, MedGen C0027672, MeSH D009386, MONDO:0015356.
Breast-ovarian cancer, familial, susceptibility to, 2 (BROVCA2). Also called: BRCA2 Hereditary Breast and Ovarian Cancer. Identifiers: Orphanet 145, MedGen C2675520, MONDO:0012933, OMIM 612555. Disease mechanism: loss of function.

Allele frequency attached by ClinVar (database versions not stated): gnomAD exomes below 0.00001.

Submissions (7):

Evidence-based Network for the Interpretation of Germline Mutant Alleles (ENIGMA)
Classification: Pathogenic for Breast-ovarian cancer, familial, susceptibility to, 2. Last evaluated: 2016-09-08. Review status: reviewed by expert panel. Criteria: ENIGMA BRCA1/2 Classification Criteria (2015). Collection method: curation. Allele origin: germline.
Comment: Variant allele predicted to encode a truncated non-functional protein.

Ambry Genetics
Classification: Pathogenic for Hereditary cancer-predisposing syndrome. Last evaluated: 2025-09-10. Review status: criteria provided, single submitter. Criteria: Ambry Variant Classification Scheme 2023. Collection method: clinical testing. Allele origin: germline. Not counted in ClinVar's aggregate classification.
Comment: The c.3386dupA pathogenic mutation, located in coding exon 10 of the BRCA2 gene, results from a duplication of A at nucleotide position 3386, causing a translational frameshift with a predicted alternate stop codon (p.F1130Vfs*2). This variant is considered to be rare based on population cohorts in the Genome Aggregation Database (gnomAD). This alteration is expected to result in loss of function by premature protein truncation or nonsense-mediated mRNA decay. As such, this alteration is interpreted as a disease-causing mutation.

Women's Health and Genetics/Laboratory Corporation of America, LabCorp
Classification: Pathogenic for Hereditary breast ovarian cancer syndrome. Last evaluated: 2024-11-26. Review status: criteria provided, single submitter. Criteria: LabCorp Variant Classification Summary - May 2015. Collection method: clinical testing. Allele origin: germline. Not counted in ClinVar's aggregate classification.
Comment: Variant summary: BRCA2 c.3386dupA (p.Phe1130ValfsX2) results in a premature termination codon, predicted to cause a truncation of the encoded protein or absence of the protein due to nonsense mediated decay, which are commonly known mechanisms for disease. The variant was absent in 250046 control chromosomes (gnomAD). c.3386dupA has been reported in the literature in individuals affected with BRAC2-related cancers (example: Lilyquist_2017). To our knowledge, no experimental evidence demonstrating an impact on protein function has been reported. The following publication have been ascertained in the context of this evaluation (PMID: 28888541). ClinVar contains an entry for this variant (Variation ID: 96789). Based on the evidence outlined above, the variant was classified as pathogenic.

Blueprint Genetics
Classification: Pathogenic for BRCA2-related disorders. Last evaluated: 2024-08-15. Review status: criteria provided, single submitter. Criteria: ACMG Guidelines, 2015. Collection method: clinical testing. Allele origin: germline. Affected: yes. Observed: 1 variant allele. Not counted in ClinVar's aggregate classification.

GeneDx
Classification: Pathogenic. Last evaluated: 2024-01-03. Review status: criteria provided, single submitter. Criteria: GeneDx Variant Classification Process June 2021. Collection method: clinical testing. Allele origin: germline. Not counted in ClinVar's aggregate classification.
Comment: Frameshift variant predicted to result in protein truncation or nonsense mediated decay in a gene for which loss of function is a known mechanism of disease; Not observed at significant frequency in large population cohorts (gnomAD); Truncating variants in this gene are considered pathogenic by a well-established clinical consortium and/or database; Also known as 3614dup; This variant is associated with the following publications: (PMID: 30635808, 28888541, 32341426, 35988656)

Labcorp Genetics (formerly Invitae), Labcorp
Classification: Pathogenic for Hereditary breast ovarian cancer syndrome. Last evaluated: 2023-06-15. Review status: criteria provided, single submitter. Criteria: Invitae Variant Classification Sherloc (09022015). Collection method: clinical testing. Allele origin: germline. Not counted in ClinVar's aggregate classification.
Comment: For these reasons, this variant has been classified as Pathogenic. ClinVar contains an entry for this variant (Variation ID: 96789). This premature translational stop signal has been observed in individual(s) with breast cancer (PMID: 30635808). This variant is not present in population databases (gnomAD no frequency). This sequence change creates a premature translational stop signal (p.Phe1130Valfs*2) in the BRCA2 gene. It is expected to result in an absent or disrupted protein product. Loss-of-function variants in BRCA2 are known to be pathogenic (PMID: 20104584).

Sharing Clinical Reports Project (SCRP)
Classification: Pathogenic for Breast-ovarian cancer, familial 2. Last evaluated: 2013-07-19. Review status: no assertion criteria provided. Collection method: clinical testing. Allele origin: germline. Not counted in ClinVar's aggregate classification.

Literature cited by the submitters: PubMed 28888541 (cited by Women's Health and Genetics/Laboratory Corporation of America, LabCorp); PubMed 30635808 (cited by Labcorp Genetics (formerly Invitae), Labcorp); PubMed 20104584 (cited by Labcorp Genetics (formerly Invitae), Labcorp).